The following is an entry in ClinVar:

ClinVar aggregate classification (germline): Uncertain significance (1 of 4 stars; one submission).

Conditions:
Spastic paraplegia. Identifiers: MedGen C0037772, HP:0001258.

gnomAD v4.1: 4 of 1,614,110 alleles (0.00025%); highest among the groups gnomAD compares: Non-Finnish European, 0.00034%; no homozygotes.

Submission:

Labcorp Genetics (formerly Invitae), Labcorp
Classification: Uncertain significance for Spastic paraplegia. Last evaluated: 2024-10-07. Review status: criteria provided, single submitter. Criteria: Invitae Variant Classification Sherloc (09022015). Collection method: clinical testing. Allele origin: germline.
Comment: This sequence change replaces leucine, which is neutral and non-polar, with valine, which is neutral and non-polar, at codon 1187 of the ZFYVE26 protein (p.Leu1187Val). This variant is not present in population databases (gnomAD no frequency). This variant has not been reported in the literature in individuals affected with ZFYVE26-related conditions. An algorithm developed to predict the effect of missense changes on protein structure and function (PolyPhen-2) suggests that this variant is likely to be tolerated. In summary, the available evidence is currently insufficient to determine the role of this variant in disease. Therefore, it has been classified as a Variant of Uncertain Significance.

NM_015346.4(ZFYVE26):c.3559C>G (p.Leu1187Val)

Gene: ZFYVE26 (zinc finger FYVE-type containing 26; minus strand). Cytogenetic location: 14q24.1.
Variant type: single nucleotide variant.
Coding change: c.3559C>G on transcript NM_015346.4 (MANE Select); coding-DNA position 3559, C replaced by G.
Protein change: p.Leu1187Val; replaces leucine 1187 with valine.
Molecular consequence: missense variant.
Genome position (GRCh38, 1-based): chr14:67,784,401, G>C on the plus strand (C>G on the coding strand, the complement: ZFYVE26 is on the minus strand). VCF-style: chr14-67784401-G-C. GRCh37 (hg19) VCF-style: chr14-68251118-G-C.
Other names: short protein forms L1187V.
Identifiers: ClinVar variation 3704674 (VCV003704674.2).